The following is an entry in ClinVar:

NM_022166.4(XYLT1):c.2338G>A (p.Val780Met)

Gene: XYLT1 (xylosyltransferase 1; minus strand). Cytogenetic location: 16p12.3.
Variant type: single nucleotide variant.
Coding change: c.2338G>A on transcript NM_022166.4 (MANE Select); coding-DNA position 2338, G replaced by A.
Protein change: p.Val780Met; replaces valine 780 with methionine.
Molecular consequence: missense variant.
Genome position (GRCh38, 1-based): chr16:17,117,865, C>T on the plus strand (G>A on the coding strand, the complement: XYLT1 is on the minus strand). VCF-style: chr16-17117865-C-T. GRCh37 (hg19) VCF-style: chr16-17211722-C-T.
Other names: c.2338G>A (NM_022166.3); short protein forms V780M.
Identifiers: ClinVar variation 1469766 (VCV001469766.4), dbSNP rs181524912, ClinGen allele CA7927597.

ClinVar aggregate classification (germline): Uncertain significance. Review status: criteria provided, multiple submitters, no conflicts (2 of 4 stars). 2 submissions from 2 submitters: Uncertain significance (2). Last evaluated 2026-06-25.

Conditions:
XYLT1-related disorder. Also called: XYLT1-related condition.
Desbuquois dysplasia 1 (DBQD1). Also called: DESBUQUOIS DYSPLASIA 1, KIM VARIANT; MICROMELIC DWARFISM WITH VERTEBRAL AND METAPHYSEAL ABNORMALITIES AND ADVANCED CARPOTARSAL OSSIFICATION. Identifiers: Orphanet 1425, MedGen C4012146, MONDO:0009629, OMIM 251450.

Allele frequency attached by ClinVar (database versions not stated): ESP Exome Variant Server 0.00008; ExAC 0.00010; gnomAD 0.00041 and 0.00044; 1000 Genomes Project 30x 0.00078; 1000 Genomes Project 0.00080; TOPMed 0.00104.
gnomAD v4.1: 194 of 1,614,116 alleles (0.012%); highest among the groups gnomAD compares: Admixed American, 0.12%; 2 homozygotes.

Submissions (2):

PreventionGenetics, part of Exact Sciences
Classification: Uncertain significance for XYLT1-related condition. Last evaluated: 2026-06-25. Review status: criteria provided, single submitter. Criteria: ACMG Guidelines, 2015. Collection method: clinical testing. Allele origin: germline.
Comment: The XYLT1 c.2338G>A variant is predicted to result in the amino acid substitution p.Val780Met. To our knowledge, this variant has not been reported in the literature. This variant is reported in 0.13% of alleles in individuals of Ashkenazi Jewish descent in gnomAD. Although we suspect that this variant may be benign, at this time, the clinical significance of this variant is uncertain due to the absence of conclusive functional and genetic evidence.

Labcorp Genetics (formerly Invitae), Labcorp
Classification: Uncertain significance for Desbuquois dysplasia 1. Last evaluated: 2022-10-13. Review status: criteria provided, single submitter. Criteria: Invitae Variant Classification Sherloc (09022015). Collection method: clinical testing. Allele origin: germline.
Comment: This sequence change replaces valine, which is neutral and non-polar, with methionine, which is neutral and non-polar, at codon 780 of the XYLT1 protein (p.Val780Met). This variant is present in population databases (rs181524912, gnomAD 0.1%). This variant has not been reported in the literature in individuals affected with XYLT1-related conditions. ClinVar contains an entry for this variant (Variation ID: 1469766). Advanced modeling of protein sequence and biophysical properties (such as structural, functional, and spatial information, amino acid conservation, physicochemical variation, residue mobility, and thermodynamic stability) performed at Invitae indicates that this missense variant is not expected to disrupt XYLT1 protein function. In summary, the available evidence is currently insufficient to determine the role of this variant in disease. Therefore, it has been classified as a Variant of Uncertain Significance.